The following is an entry in ClinVar:

ClinVar aggregate classification (germline): Uncertain significance (1 of 4 stars; one submission).

Conditions:
Cardiovascular phenotype. Identifiers: MedGen CN230736.

Submission:

Ambry Genetics
Classification: Uncertain significance for Cardiovascular phenotype. Last evaluated: 2025-07-21. Review status: criteria provided, single submitter. Criteria: Ambry Variant Classification Scheme 2023. Collection method: clinical testing. Allele origin: germline.
Comment: The p.D220N variant (also known as c.658G>A), located in coding exon 1 of the FOXE3 gene, results from a G to A substitution at nucleotide position 658. The aspartic acid at codon 220 is replaced by asparagine, an amino acid with highly similar properties. This amino acid position is conserved. In addition, this alteration is predicted to be tolerated by in silico analysis. Based on the available evidence, the clinical significance of this variant remains unclear.

NM_012186.3(FOXE3):c.658G>A (p.Asp220Asn)

Genes: LINC01389 (long intergenic non-protein coding RNA 1389; minus strand), FOXE3 (forkhead box E3; plus strand). Cytogenetic location: 1p33.
Variant type: single nucleotide variant.
Coding change: c.658G>A on transcript NM_012186.3 (MANE Select); coding-DNA position 658, G replaced by A.
Protein change: p.Asp220Asn; replaces aspartic acid 220 with asparagine.
Molecular consequence: missense variant.
Genome position (GRCh38, 1-based): chr1:47,416,973, G>A. VCF-style: chr1-47416973-G-A. GRCh37 (hg19) VCF-style: chr1-47882645-G-A.
Other names: short protein forms D220N.
Identifiers: ClinVar variation 4259175 (VCV004259175.1).